The following is an entry in ClinVar:

NM_021098.3(CACNA1H):c.4647G>T (p.Met1549Ile)

Gene: CACNA1H (calcium voltage-gated channel subunit alpha1 H; plus strand). Cytogenetic location: 16p13.3.
Variant type: single nucleotide variant.
Coding change: c.4647G>T on transcript NM_021098.3 (MANE Select); coding-DNA position 4647, G replaced by T.
Protein change: p.Met1549Ile; replaces methionine 1549 with isoleucine.
Molecular consequence: missense variant.
Genome position (GRCh38, 1-based): chr16:1,212,026, G>T. VCF-style: chr16-1212026-G-T. GRCh37 (hg19) VCF-style: chr16-1262026-G-T.
Other names: c.4647G>T, p.Met1549Ile (NM_001005407.2); short protein forms M1549I.
Identifiers: ClinVar variation 2953366 (VCV002953366.3), dbSNP rs2548707698, ClinGen allele CA394180838.

ClinVar aggregate classification (germline): Pathogenic (1 of 4 stars; one submission).

Conditions:
Idiopathic generalized epilepsy. Also called: EIG; Generalised epilepsy. Identifiers: MedGen C0270850, MONDO:0005579, OMIM 600669.
Hyperaldosteronism, familial, type IV (HALD4). Also called: FH IV; ALDOSTERONISM, PRIMARY, AND HYPERTENSION. Identifiers: Orphanet 642671, MedGen C4310756, MONDO:0014875, OMIM 617027.

Submission:

Labcorp Genetics (formerly Invitae), Labcorp
Classification: Pathogenic for Idiopathic generalized epilepsy; Hyperaldosteronism, familial, type IV. Last evaluated: 2023-10-28. Review status: criteria provided, single submitter. Criteria: Invitae Variant Classification Sherloc (09022015). Collection method: clinical testing. Allele origin: germline.
Comment: This sequence change replaces methionine, which is neutral and non-polar, with isoleucine, which is neutral and non-polar, at codon 1549 of the CACNA1H protein (p.Met1549Ile). This variant is not present in population databases (gnomAD no frequency). This missense change has been observed in individual(s) with primary hyperaldosteronism (PMID: 27729216). In at least one individual the variant was observed to be de novo. Advanced modeling of protein sequence and biophysical properties (such as structural, functional, and spatial information, amino acid conservation, physicochemical variation, residue mobility, and thermodynamic stability) performed at Invitae indicates that this missense variant is expected to disrupt CACNA1H protein function with a positive predictive value of 80%. Experimental studies have shown that this missense change affects CACNA1H function (PMID: 27729216). For these reasons, this variant has been classified as Pathogenic.

Literature cited by the submitters: PubMed 27729216.